The following is an entry in ClinVar:

ClinVar aggregate classification (germline): Uncertain significance (1 of 4 stars; one submission).

Submission:

Labcorp Genetics (formerly Invitae), Labcorp
Classification: Uncertain significance. Last evaluated: 2024-02-26. Review status: criteria provided, single submitter. Criteria: Invitae Variant Classification Sherloc (09022015). Collection method: clinical testing. Allele origin: germline.
Comment: This sequence change replaces isoleucine, which is neutral and non-polar, with valine, which is neutral and non-polar, at codon 453 of the CFH protein (p.Ile453Val). This variant is not present in population databases (gnomAD no frequency). This variant has not been reported in the literature in individuals affected with CFH-related conditions. ClinVar contains an entry for this variant (Variation ID: 1487074). Algorithms developed to predict the effect of missense changes on protein structure and function output the following: SIFT: "Not Available"; PolyPhen-2: "Benign"; Align-GVGD: "Not Available". The valine amino acid residue is found in multiple mammalian species, which suggests that this missense change does not adversely affect protein function. In summary, the available evidence is currently insufficient to determine the role of this variant in disease. Therefore, it has been classified as a Variant of Uncertain Significance.

NM_000186.4(CFH):c.1357A>G (p.Ile453Val)

Gene: CFH (complement factor H; plus strand). Cytogenetic location: 1q31.3.
Variant type: single nucleotide variant.
Coding change: c.1357A>G on transcript NM_000186.4 (MANE Select); coding-DNA position 1357, A replaced by G.
Protein change: p.Ile453Val; replaces isoleucine 453 with valine.
Molecular consequence: missense variant.
Genome position (GRCh38, 1-based): chr1:196,713,755, A>G. VCF-style: chr1-196713755-A-G. GRCh37 (hg19) VCF-style: chr1-196682885-A-G.
Other names: short protein forms I453V.
Identifiers: ClinVar variation 1487074 (VCV001487074.6), dbSNP rs1450633243, ClinGen allele CA343981590.
Genomic context (GRCh38, chr1:196,713,755, plus strand): 5'-GATCATATGCTTGTCTTTTTCTTATTCTCTTCCCTTTTAGAAACATGTTCCAAATCAAGT[A>G]TAGATATTGAGAATGGGTTTATTTCTGAATCTCAGTATACATATGCCTTAAAAGAAAAAG-3'
Protein context (NP_000177.2, residues 443-463): IRVKTCSKSS[Ile453Val]DIENGFISES